The following is an entry in ClinVar:

NM_004006.3(DMD):c.3119G>A (p.Cys1040Tyr)

Gene: DMD (dystrophin; minus strand). Cytogenetic location: Xp21.1.
Variant type: single nucleotide variant.
Coding change: c.3119G>A on transcript NM_004006.3 (MANE Select); coding-DNA position 3119, G replaced by A.
Protein change: p.Cys1040Tyr; replaces cysteine 1040 with tyrosine.
Molecular consequence: missense variant.
Genome position (GRCh38, 1-based): chrX:32,468,541, C>T on the plus strand (G>A on the coding strand, the complement: DMD is on the minus strand). VCF-style: chrX-32468541-C-T. GRCh37 (hg19) VCF-style: chrX-32486658-C-T.
Other names: c.3095G>A, p.Cys1032Tyr (NM_000109.4); c.3107G>A, p.Cys1036Tyr (NM_004009.3); c.2750G>A, p.Cys917Tyr (NM_004010.3); short protein forms C1032Y, C1040Y, C1036Y, C917Y.
Identifiers: ClinVar variation 952116 (VCV000952116.11), dbSNP rs1603634202, ClinGen allele CA412666829.
Genomic context (GRCh38, chrX:32,468,541, plus strand): 5'-GTAAAATCTTGAATTACCTGAATTTTTCGGAGTTTATTCATTTGCTCCTCTAGCTTTTGA[C>T]AATGCTCAACCAGCTGGGAGGAGAGCTTCTTCCAGCGTCCCTCAATTTCTTCAAATTCTG-3'
Protein context (NP_003997.2, residues 1030-1050): KKLSSQLVEH[Cys1040Tyr]QKLEEQMNKL

ClinVar aggregate classification (germline): Uncertain significance. Review status: criteria provided, single submitter (1 of 4 stars). 2 submissions from 2 submitters: Uncertain significance (1). 1 of the submissions does not count toward it. Last evaluated 2019-06-23.

Conditions:
Duchenne muscular dystrophy (DMD). Also called: MUSCULAR DYSTROPHY, PSEUDOHYPERTROPHIC PROGRESSIVE, DUCHENNE TYPE; Duchenne Muscular Dystrophy (DMD). Identifiers: Orphanet 98896, MedGen C0013264, MONDO:0010679, OMIM 310200.
Dystrophin deficiency.
Becker muscular dystrophy (BMD). Also called: MUSCULAR DYSTROPHY, PSEUDOHYPERTROPHIC PROGRESSIVE, BECKER TYPE; Becker Muscular Dystrophy (BMD). Identifiers: Orphanet 98895, MedGen C0917713, MONDO:0010311, OMIM 300376.
Cardiomyopathy (CMYO). Also called: Cardiomyopathies. Identifiers: Orphanet 167848, MedGen C0878544, MONDO:0004994, HP:0001638. Inheritance: Various modes of inheritance.

Submissions (2):

Labcorp Genetics (formerly Invitae), Labcorp
Classification: Uncertain significance for Duchenne muscular dystrophy. Last evaluated: 2019-06-23. Review status: criteria provided, single submitter. Criteria: Invitae Variant Classification Sherloc (09022015). Collection method: clinical testing. Allele origin: germline.
Comment: In summary, the available evidence is currently insufficient to determine the role of this variant in disease. Therefore, it has been classified as a Variant of Uncertain Significance. Algorithms developed to predict the effect of missense changes on protein structure and function output the following: SIFT: "Deleterious"; PolyPhen-2: "Benign"; Align-GVGD: "Class C0". The tyrosine amino acid residue is found in multiple mammalian species, suggesting that this missense change does not adversely affect protein function. These predictions have not been confirmed by published functional studies and their clinical significance is uncertain. This variant has not been reported in the literature in individuals with DMD-related conditions. This variant is not present in population databases (ExAC no frequency). This sequence change replaces cysteine with tyrosine at codon 1040 of the DMD protein (p.Cys1040Tyr). The cysteine residue is moderately conserved and there is a large physicochemical difference between cysteine and tyrosine.

Natera, Inc.
Classification: Uncertain significance for Becker muscular dystrophy; Cardiomyopathy; Duchenne muscular dystrophy; Dystrophin deficiency. Last evaluated: 2021-09-29. Review status: no assertion criteria provided. Collection method: clinical testing. Allele origin: germline. Not counted in ClinVar's aggregate classification.